The following is an entry in ClinVar:

NM_006206.6(PDGFRA):c.1203T>C (p.Ala401=)

Gene: PDGFRA (platelet derived growth factor receptor alpha; plus strand). Cytogenetic location: 4q12.
Variant type: single nucleotide variant.
Coding change: c.1203T>C on transcript NM_006206.6 (MANE Select); coding-DNA position 1203, T replaced by C.
Protein change: p.Ala401=; no amino-acid change (alanine 401 retained).
Molecular consequence: synonymous variant.
Genome position (GRCh38, 1-based): chr4:54,270,714, T>C. VCF-style: chr4-54270714-T-C. GRCh37 (hg19) VCF-style: chr4-55136881-T-C.
Other names: c.1203T>C, p.Ala401= (NM_001347827.2, NM_001347829.2); c.1278T>C, p.Ala426= (NM_001347828.2); c.1242T>C, p.Ala414= (NM_001347830.2).
Identifiers: ClinVar variation 240297 (VCV000240297.15), dbSNP rs141808456, ClinGen allele CA2922486.

ClinVar aggregate classification (germline): Benign/Likely benign. Review status: criteria provided, multiple submitters, no conflicts (2 of 4 stars). 3 submissions from 3 submitters: Benign (1); Likely benign (2). Last evaluated 2026-06-16.

Conditions:
Polyps, multiple and recurrent inflammatory fibroid, gastrointestinal. Identifiers: MedGen C5193005, MONDO:0008285, OMIM 175510.
Hereditary cancer-predisposing syndrome. Also called: Neoplastic Syndromes, Hereditary; Hereditary neoplastic syndrome; Hereditary Cancer Syndrome; Tumor predisposition. Identifiers: Orphanet 140162, MedGen C0027672, MeSH D009386, MONDO:0015356.
Gastrointestinal stromal tumor. Also called: Gastrointestinal stromal tumor, somatic; Gastrointestinal stroma tumor. Identifiers: Orphanet 44890, MedGen C0238198, MeSH D046152, MONDO:0011719, OMIM 606764, HP:0100723.

Allele frequency attached by ClinVar (database versions not stated): gnomAD exomes 0.00001 and 0.00002; ExAC 0.00002; TOPMed 0.00002; gnomAD 0.00004; ESP Exome Variant Server 0.00015.
gnomAD v4.1: 15 of 1,603,880 alleles (0.00094%); highest among the groups gnomAD compares: African/African-American, 0.019%; no homozygotes.

Submissions (3):

Myriad Genetics, Inc.
Classification: Benign for Polyps, multiple and recurrent inflammatory fibroid, gastrointestinal. Last evaluated: 2026-06-16. Review status: criteria provided, single submitter. Criteria: Myriad Autosomal Dominant, Autosomal Recessive and X-Linked Classification Criteria (2023). Collection method: clinical testing. Allele origin: unknown.
Comment: This variant is considered benign. This variant is a silent/synonymous amino acid change and it is not expected to impact splicing.

Labcorp Genetics (formerly Invitae), Labcorp
Classification: Likely benign for Gastrointestinal stromal tumor. Last evaluated: 2026-01-19. Review status: criteria provided, single submitter. Criteria: Invitae Variant Classification Sherloc (09022015). Collection method: clinical testing. Allele origin: germline.

Ambry Genetics
Classification: Likely benign for Hereditary cancer-predisposing syndrome. Last evaluated: 2022-02-28. Review status: criteria provided, single submitter. Criteria: Ambry Variant Classification Scheme 2023. Collection method: clinical testing. Allele origin: germline.